The following is an entry in ClinVar:

ClinVar aggregate classification (germline): Uncertain significance (1 of 4 stars; one submission).

gnomAD v4.1: 1 of 701,994 alleles (0.00014%); highest among the groups gnomAD compares: Middle Eastern, 0.023%; no homozygotes.

Submission:

CeGaT Center for Human Genetics Tuebingen
Classification: Uncertain significance. Last evaluated: 2026-01-01. Review status: criteria provided, single submitter. Criteria: CeGaT Center For Human Genetics Tuebingen Variant Classification Criteria Version 2. Collection method: clinical testing. Allele origin: germline. Affected: yes. Observed: 1 variant allele.
Comment: CLN6: PM2, PP3

NM_001411068.1(CLN6):c.104G>C (p.Arg35Pro)

Gene: CLN6 (CLN6 transmembrane ER protein; minus strand). Cytogenetic location: 15q23.
Variant type: single nucleotide variant.
Coding change: c.104G>C on transcript NM_001411068.1; coding-DNA position 104, G replaced by C.
Protein change: p.Arg35Pro; replaces arginine 35 with proline.
Molecular consequence: missense variant.
Genome position (GRCh38, 1-based): chr15:68,256,765, C>G on the plus strand (G>C on the coding strand, the complement: CLN6 is on the minus strand). VCF-style: chr15-68256765-C-G. GRCh37 (hg19) VCF-style: chr15-68549103-C-G.
Other names: short protein forms R35P.
Identifiers: ClinVar variation 4822882 (VCV004822882.4).
Genomic context (GRCh38, chr15:68,256,765, plus strand): 5'-TTGAGTTTTCTCAGCGAAGTCTCACAGGACAATGGCGCCTGCGCCAGTGGCTTGAAGGCT[C>G]GGCTCAAGCCCGCCTCGCCTCCCTCCCTCCTAGGGATGGCTCCCAGTGTCTCTGGCCGGG-3'